The following is an entry in ClinVar:

NM_001199397.3(NEK1):c.1030A>G (p.Thr344Ala)

Gene: NEK1 (NIMA related kinase 1; minus strand). Cytogenetic location: 4q33.
Variant type: single nucleotide variant.
Coding change: c.1030A>G on transcript NM_001199397.3 (MANE Select); coding-DNA position 1030, A replaced by G.
Protein change: p.Thr344Ala; replaces threonine 344 with alanine.
Molecular consequence: missense variant. On other transcripts: non-coding transcript variant (2).
Genome position (GRCh38, 1-based): chr4:169,562,187, T>C on the plus strand (A>G on the coding strand, the complement: NEK1 is on the minus strand). VCF-style: chr4-169562187-T-C. GRCh37 (hg19) VCF-style: chr4-170483338-T-C.
Other names: c.1030A>G, p.Thr344Ala (NM_001199398.3, NM_001199399.3, NM_001199400.3 and 7 more transcripts); c.1030A>G (NM_012224.2); short protein forms T344A.
Identifiers: ClinVar variation 1381689 (VCV001381689.8), dbSNP rs780547342, ClinGen allele CA3137873.

ClinVar aggregate classification (germline): Uncertain significance. Review status: criteria provided, multiple submitters, no conflicts (2 of 4 stars). 2 submissions from 2 submitters: Uncertain significance (2). Last evaluated 2025-04-26.

Conditions:
NEK1-related disorder. Also called: NEK1-related condition.
Short-rib thoracic dysplasia 6 with or without polydactyly (SRTD6). Also called: SHORT RIB-POLYDACTYLY SYNDROME, TYPE IIA; POLYDACTYLY WITH NEONATAL CHONDRODYSTROPHY, TYPE II; SHORT-RIB THORACIC DYSPLASIA 6 WITH POLYDACTYLY; SHORT-RIB THORACIC DYSPLASIA 6 WITHOUT POLYDACTYLY; Majewski Syndrome. Identifiers: MedGen C0024507, MONDO:0009894, OMIM 263520.

Allele frequency attached by ClinVar (database versions not stated): gnomAD 0.00002 and 0.00003; gnomAD exomes 0.00002 and 0.00003; TOPMed 0.00002; ExAC 0.00008.
gnomAD v4.1: 33 of 1,545,512 alleles (0.0021%); highest among the groups gnomAD compares: Non-Finnish European, 0.0028%; no homozygotes.

Submissions (2):

Labcorp Genetics (formerly Invitae), Labcorp
Classification: Uncertain significance for Short-rib thoracic dysplasia 6 with or without polydactyly. Last evaluated: 2025-04-26. Review status: criteria provided, single submitter. Criteria: Invitae Variant Classification Sherloc (09022015). Collection method: clinical testing. Allele origin: germline.
Comment: This sequence change replaces threonine, which is neutral and polar, with alanine, which is neutral and non-polar, at codon 344 of the NEK1 protein (p.Thr344Ala). The frequency data for this variant in the population databases is considered unreliable, as metrics indicate poor data quality at this position in the gnomAD database. This missense change has been observed in individual(s) with amyotrophic lateral sclerosis (PMID: 33445179). ClinVar contains an entry for this variant (Variation ID: 1381689). Invitae Evidence Modeling of protein sequence and biophysical properties (such as structural, functional, and spatial information, amino acid conservation, physicochemical variation, residue mobility, and thermodynamic stability) indicates that this missense variant is not expected to disrupt NEK1 protein function with a negative predictive value of 95%. In summary, the available evidence is currently insufficient to determine the role of this variant in disease. Therefore, it has been classified as a Variant of Uncertain Significance.

PreventionGenetics, part of Exact Sciences
Classification: Uncertain significance for NEK1-related condition. Last evaluated: 2022-12-04. Review status: criteria provided, single submitter. Criteria: ACMG Guidelines, 2015. Collection method: clinical testing. Allele origin: germline.
Comment: The NEK1 c.1030A>G variant is predicted to result in the amino acid substitution p.Thr344Ala. To our knowledge, this variant has not been reported in the literature. This variant is reported in 0.0063% of alleles in individuals of European (Non-Finnish) descent in gnomAD. At this time, the clinical significance of this variant is uncertain due to the absence of conclusive functional and genetic evidence.

Literature cited by the submitters: PubMed 33445179 (cited by Labcorp Genetics (formerly Invitae), Labcorp).